The following is an entry in ClinVar:

NM_032043.3(BRIP1):c.2939C>A (p.Ala980Glu)

Gene: BRIP1 (BRCA1 interacting DNA helicase 1; minus strand). Cytogenetic location: 17q23.2.
Variant type: single nucleotide variant.
Coding change: c.2939C>A on transcript NM_032043.3 (MANE Select); coding-DNA position 2939, C replaced by A.
Protein change: p.Ala980Glu; replaces alanine 980 with glutamic acid.
Molecular consequence: missense variant.
Genome position (GRCh38, 1-based): chr17:61,684,107, G>T on the plus strand (C>A on the coding strand, the complement: BRIP1 is on the minus strand). VCF-style: chr17-61684107-G-T. GRCh37 (hg19) VCF-style: chr17-59761468-G-T.
Other names: short protein forms A980E.
Identifiers: ClinVar variation 2125862 (VCV002125862.4), dbSNP rs781622986, ClinGen allele CA400480702.

ClinVar aggregate classification (germline): Uncertain significance (1 of 4 stars; one submission).

Conditions:
Familial cancer of breast. Also called: BREAST CANCER, FAMILIAL; Hereditary breast cancer; hereditary breast carcinoma. Identifiers: Orphanet 227535, MedGen C0346153, MONDO:0016419, OMIM 114480. Disease mechanism: loss of function.
Fanconi anemia complementation group J. Also called: BRIP1-Related Fanconi Anemia. Identifiers: Orphanet 84, MedGen C1836860, MONDO:0012187, OMIM 609054.

Submission:

Labcorp Genetics (formerly Invitae), Labcorp
Classification: Uncertain significance for Familial cancer of breast; Fanconi anemia complementation group J. Last evaluated: 2025-05-13. Review status: criteria provided, single submitter. Criteria: Invitae Variant Classification Sherloc (09022015). Collection method: clinical testing. Allele origin: germline.
Comment: This sequence change replaces alanine, which is neutral and non-polar, with glutamic acid, which is acidic and polar, at codon 980 of the BRIP1 protein (p.Ala980Glu). This variant is not present in population databases (gnomAD no frequency). This variant has not been reported in the literature in individuals affected with BRIP1-related conditions. ClinVar contains an entry for this variant (Variation ID: 2125862). Invitae Evidence Modeling of protein sequence and biophysical properties (such as structural, functional, and spatial information, amino acid conservation, physicochemical variation, residue mobility, and thermodynamic stability) indicates that this missense variant is not expected to disrupt BRIP1 protein function with a negative predictive value of 95%. In summary, the available evidence is currently insufficient to determine the role of this variant in disease. Therefore, it has been classified as a Variant of Uncertain Significance.